The following is an entry in ClinVar:

NM_014855.3(AP5Z1):c.1830C>A (p.Ala610=)

Gene: AP5Z1 (adaptor related protein complex 5 subunit zeta 1; plus strand). Cytogenetic location: 7p22.1.
Variant type: single nucleotide variant.
Coding change: c.1830C>A on transcript NM_014855.3 (MANE Select); coding-DNA position 1830, C replaced by A.
Protein change: p.Ala610=; no amino-acid change (alanine 610 retained).
Molecular consequence: synonymous variant. On other transcripts: non-coding transcript variant (1).
Genome position (GRCh38, 1-based): chr7:4,790,483, C>A. VCF-style: chr7-4790483-C-A. GRCh37 (hg19) VCF-style: chr7-4830114-C-A.
Other names: c.1362C>A, p.Ala454= (NM_001364858.1).
Identifiers: ClinVar variation 3571970 (VCV003571970.1).

ClinVar aggregate classification (germline): Uncertain significance (1 of 4 stars; one submission).

Submission:

Athena Diagnostics
Classification: Uncertain significance. Last evaluated: 2024-10-23. Review status: criteria provided, single submitter. Criteria: Athena Diagnostics Criteria. Collection method: clinical testing. Allele origin: unknown.
Comment: Available data are insufficient to determine the clinical significance of the variant at this time. The frequency of this variant in the general population is uninformative in assessment of its pathogenicity. Computational tools yielded inconclusive predictions regarding the effect of this variant on RNA splicing.